The following is an entry in ClinVar:

ClinVar aggregate classification (germline): Pathogenic (1 of 4 stars; one submission).

Conditions:
Developmental and epileptic encephalopathy, 37 (DEE37). Also called: Epileptic encephalopathy, early infantile, 37. Identifiers: MedGen C4310770, MONDO:0014859, OMIM 616981.

Submission:

Labcorp Genetics (formerly Invitae), Labcorp
Classification: Pathogenic for Developmental and epileptic encephalopathy, 37. Last evaluated: 2025-11-25. Review status: criteria provided, single submitter. Criteria: Invitae Variant Classification Sherloc (09022015). Collection method: clinical testing. Allele origin: germline.
Comment: This sequence change creates a premature translational stop signal (p.Trp232*) in the FRRS1L gene. It is expected to result in an absent or disrupted protein product. Loss-of-function variants in FRRS1L are known to be pathogenic (PMID: 27236917). This variant is not present in population databases (gnomAD no frequency). This variant has not been reported in the literature in individuals affected with FRRS1L-related conditions. For these reasons, this variant has been classified as Pathogenic.

Literature cited by the submitters: PubMed 27236917.

NM_014334.4(FRRS1L):c.543G>A (p.Trp181Ter)

Gene: FRRS1L (ferric chelate reductase 1 like; minus strand). Cytogenetic location: 9q31.3.
Variant type: single nucleotide variant.
Coding change: c.543G>A on transcript NM_014334.4 (MANE Select); coding-DNA position 543, G replaced by A.
Protein change: p.Trp181Ter; replaces tryptophan 181 with a stop codon.
Molecular consequence: nonsense.
Genome position (GRCh38, 1-based): chr9:109,141,509, C>T on the plus strand (G>A on the coding strand, the complement: FRRS1L is on the minus strand). VCF-style: chr9-109141509-C-T. GRCh37 (hg19) VCF-style: chr9-111903789-C-T.
Other names: short protein forms W181*.
Identifiers: ClinVar variation 4731360 (VCV004731360.1).
Genomic context (GRCh38, chr9:109,141,509, plus strand): 5'-GCGATTGTTCTCAAAAACTCCTTCTTCATCTCTGGCAGGGTTTCTCTGAATCTCCTTTGC[C>T]CACTGGCCTACATTATAGAAGTGCTGTATGCGGACCCTGCCATTGTCATCATGGACGCAG-3'